The following is an entry in ClinVar:

ClinVar aggregate classification (germline): Uncertain significance (1 of 4 stars; one submission).

Conditions:
Duchenne muscular dystrophy (DMD). Also called: MUSCULAR DYSTROPHY, PSEUDOHYPERTROPHIC PROGRESSIVE, DUCHENNE TYPE; Duchenne Muscular Dystrophy (DMD). Identifiers: Orphanet 98896, MedGen C0013264, MONDO:0010679, OMIM 310200.

Submission:

Labcorp Genetics (formerly Invitae), Labcorp
Classification: Uncertain significance for Duchenne muscular dystrophy. Last evaluated: 2022-06-03. Review status: criteria provided, single submitter. Criteria: Invitae Variant Classification Sherloc (09022015). Collection method: clinical testing. Allele origin: germline.
Comment: This variant has not been reported in the literature in individuals affected with DMD-related conditions. Algorithms developed to predict the effect of missense changes on protein structure and function are either unavailable or do not agree on the potential impact of this missense change (SIFT: "Tolerated"; PolyPhen-2: "Possibly Damaging"; Align-GVGD: "Class C0"). In summary, the available evidence is currently insufficient to determine the role of this variant in disease. Therefore, it has been classified as a Variant of Uncertain Significance. This variant is not present in population databases (gnomAD no frequency). This sequence change replaces alanine, which is neutral and non-polar, with valine, which is neutral and non-polar, at codon 2627 of the DMD protein (p.Ala2627Val).

NM_004006.3(DMD):c.7880C>T (p.Ala2627Val)

Gene: DMD (dystrophin; minus strand). Cytogenetic location: Xp21.1.
Variant type: single nucleotide variant.
Coding change: c.7880C>T on transcript NM_004006.3 (MANE Select); coding-DNA position 7880, C replaced by T.
Protein change: p.Ala2627Val; replaces alanine 2627 with valine.
Molecular consequence: missense variant.
Genome position (GRCh38, 1-based): chrX:31,658,137, G>A on the plus strand (C>T on the coding strand, the complement: DMD is on the minus strand). VCF-style: chrX-31658137-G-A. GRCh37 (hg19) VCF-style: chrX-31676254-G-A.
Other names: c.7856C>T, p.Ala2619Val (NM_000109.4); c.7868C>T, p.Ala2623Val (NM_004009.3); c.7511C>T, p.Ala2504Val (NM_004010.3); c.3857C>T, p.Ala1286Val (NM_004011.4); c.3848C>T, p.Ala1283Val (NM_004012.4); c.500C>T, p.Ala167Val (NM_004013.3, NM_004020.4, NM_004021.3 and 2 more transcripts); short protein forms A2619V, A1283V, A167V, A2627V, A2623V, A1286V, A2504V.
Identifiers: ClinVar variation 2118346 (VCV002118346.4), dbSNP rs2528812734, ClinGen allele CA412656036.